The following is an entry in ClinVar:

ClinVar aggregate classification (germline): Uncertain significance. Review status: criteria provided, multiple submitters, no conflicts (2 of 4 stars). 3 submissions from 3 submitters: Uncertain significance (3). Last evaluated 2026-09-08.

Conditions:
Fabry disease. Also called: Fabry's disease; GLA DEFICIENCY; HEREDITARY DYSTOPIC LIPIDOSIS; Ceramide trihexosidosis; Angiokeratoma corporis diffusum; ANDERSON-FABRY DISEASE. Identifiers: Orphanet 324, MedGen C0002986, MONDO:0010526, OMIM 301500, HP:0001071. Disease mechanism: loss of function, Fabry disease is due to inactivating mutations in the X-linked GLA gene resulting in deficiency of the enzyme Alpha Galactosidase-A..

Submissions (3):

Genomenon, Inc
Classification: Uncertain significance for Fabry disease. Last evaluated: 2026-09-08. Review status: criteria provided, single submitter. Criteria: Genomenon Sequence Variant Interpretation Standards - Updated. Collection method: curation. Allele origin: germline. Affected: yes.
Comment: GLA p.Gly261Ser (c.781G>A) is a missense variant that changes the amino acid at codon 261 from Glycine to Serine. This variant has been observed in at least one proband with clinical features consistent with Fabry disease (PMID:39669636). This variant is located in a mutational hotspot and/or important functional domain. It is absent or not present at a significant frequency in gnomAD. In conclusion, we classify GLA p.Gly261Ser (c.781G>A) as a variant of uncertain significance.

All of Us Research Program, National Institutes of Health
Classification: Uncertain significance for Fabry disease. Last evaluated: 2023-04-10. Review status: criteria provided, single submitter. Criteria: ACMG Guidelines, 2015. Collection method: clinical testing. Allele origin: germline. Inheritance: X-linked inheritance. Observed: 1 variant allele, 1 heterozygote.
Comment: This missense variant replaces glycine with serine at codon 261 of the GLA protein. Computational prediction suggests that this variant may not impact protein structure and function (internally defined REVEL score threshold <= 0.5, PMID: 27666373). To our knowledge, functional studies have not been reported for this variant. This variant has not been reported in individuals affected with GLA-related disorders in the literature. This variant has not been identified in the general population by the Genome Aggregation Database (gnomAD). The available evidence is insufficient to determine the role of this variant in disease conclusively. Therefore, this variant is classified as a Variant of Uncertain Significance.

This study involves interpretation of variants in research participants for the purpose of population health screening. Participant phenotype was not available at the time of variant classification. Additional details can be found in publication PMID: 35346344, PMCID: PMC8962531

Eurofins Ntd Llc (ga)
Classification: Uncertain significance. Last evaluated: 2016-05-25. Review status: criteria provided, single submitter. Criteria: EGL Classification Definitions 2015. Collection method: clinical testing. Allele origin: germline. Observed: 1 variant allele, 1 heterozygote.

Literature cited by the submitters: PubMed 39669636 (cited by Genomenon, Inc).

NM_000169.3(GLA):c.781G>A (p.Gly261Ser)

Genes: GLA (galactosidase alpha; minus strand), RPL36A-HNRNPH2 (RPL36A-HNRNPH2 readthrough; plus strand). Cytogenetic location: Xq22.1.
Variant type: single nucleotide variant.
Coding change: c.781G>A on transcript NM_000169.3 (MANE Select); coding-DNA position 781, G replaced by A.
Protein change: p.Gly261Ser; replaces glycine 261 with serine.
Molecular consequence: missense variant. On other transcripts: non-coding transcript variant (3), intron variant (2).
Genome position (GRCh38, 1-based): chrX:101,398,805, C>T on the plus strand (G>A on the coding strand, the complement: GLA is on the minus strand). VCF-style: chrX-101398805-C-T. GRCh37 (hg19) VCF-style: chrX-100653793-C-T.
Other names: c.904G>A, p.Gly302Ser (NM_001406747.1); c.781G>A, p.Gly261Ser (NM_001406748.1); c.300+3348C>T (NM_001199973.2); c.177+6983C>T (NM_001199974.2); short protein forms G261S, G302S.
Identifiers: ClinVar variation 288307 (VCV000288307.8), dbSNP rs886044878, ClinGen allele CA10606042.